The following is an entry in ClinVar:

ClinVar aggregate classification (germline): Conflicting classifications of pathogenicity. Review status: criteria provided, conflicting classifications (1 of 4 stars). 2 submissions from 2 submitters: Uncertain significance (1); Likely benign (1). Last evaluated 2026-01-06.

Conditions:
Hereditary breast ovarian cancer syndrome. Also called: Hereditary breast and/or ovarian cancer syndrome; Breast and ovarian cancer; Hereditary breast and ovarian cancer; Hereditary breast and ovarian cancer syndrome (HBOC); Hereditary breast and ovarian cancer syndrome; BRCA1- and BRCA2-Associated Hereditary Breast and Ovarian Cancer. Identifiers: Orphanet 145, MedGen C0677776, MeSH D061325, MONDO:0003582. Disease mechanism: loss of function.
Hereditary cancer-predisposing syndrome. Also called: Neoplastic Syndromes, Hereditary; Hereditary neoplastic syndrome; Tumor predisposition; Hereditary Cancer Syndrome. Identifiers: Orphanet 140162, MedGen C0027672, MeSH D009386, MONDO:0015356.

Submissions (2):

Ambry Genetics
Classification: Likely benign for Hereditary cancer-predisposing syndrome. Last evaluated: 2026-01-06. Review status: criteria provided, single submitter. Criteria: Ambry Variant Classification Scheme 2023. Collection method: clinical testing. Allele origin: germline.

Labcorp Genetics (formerly Invitae), Labcorp
Classification: Uncertain significance for Hereditary breast ovarian cancer syndrome. Last evaluated: 2018-11-17. Review status: criteria provided, single submitter. Criteria: Invitae Variant Classification Sherloc (09022015). Collection method: clinical testing. Allele origin: germline.
Comment: This variant is not present in population databases (ExAC no frequency). This sequence change replaces alanine with proline at codon 2525 of the BRCA2 protein (p.Ala2525Pro). The alanine residue is weakly conserved and there is a small physicochemical difference between alanine and proline. This variant has not been reported in the literature in individuals with BRCA2-related disease. Algorithms developed to predict the effect of missense changes on protein structure and function are either unavailable or do not agree on the potential impact of this missense change (SIFT: "Tolerated"; PolyPhen-2: "Possibly Damaging"; Align-GVGD: "Class C0"). In summary, the available evidence is currently insufficient to determine the role of this variant in disease. Therefore, it has been classified as a Variant of Uncertain Significance.

NM_000059.4(BRCA2):c.7573G>C (p.Ala2525Pro)

Gene: BRCA2 (BRCA2 DNA repair associated; plus strand). Cytogenetic location: 13q13.1.
Variant type: single nucleotide variant.
Coding change: c.7573G>C on transcript NM_000059.4 (MANE Select); coding-DNA position 7573, G replaced by C.
Protein change: p.Ala2525Pro; replaces alanine 2525 with proline.
Molecular consequence: missense variant.
Genome position (GRCh38, 1-based): chr13:32,356,565, G>C. VCF-style: chr13-32356565-G-C. GRCh37 (hg19) VCF-style: chr13-32930702-G-C.
Other names: short protein forms A2525P.
Identifiers: ClinVar variation 647307 (VCV000647307.10), dbSNP rs786203133, ClinGen allele CA387743799.